The following is an entry in ClinVar:

NM_000059.4(BRCA2):c.7185_7188del (p.His2395fs)

Gene: BRCA2 (BRCA2 DNA repair associated; plus strand). Cytogenetic location: 13q13.1.
Variant type: Deletion.
Coding change: c.7185_7188del on transcript NM_000059.4 (MANE Select); coding-DNA positions 7185 to 7188, 4 bases deleted (CTTG; older notation c.7185_7188delCTTG).
Protein change: p.His2395fs; shifts the reading frame from histidine 2395.
Molecular consequence: frameshift variant. On other transcripts: non-coding transcript variant (1).
Genome position (GRCh38, 1-based): chr13:32,355,038-32,355,041, CTTG deleted. VCF-style (leftmost placement, unchanged base first): chr13-32355037-ACTTG-A. GRCh37 (hg19) VCF-style: chr13-32929174-ACTTG-A.
Other names: c.7089_7092del, p.His2363fs (NM_001406719.1); c.7185_7188del, p.His2395fs (NM_001406720.1); c.2253_2256del, p.His751fs (NM_001406721.1); c.768_771del, p.His256fs (NM_001406722.1); short protein forms H2363fs, H751fs, H2395fs, H256fs.
Identifiers: ClinVar variation 2717348 (VCV002717348.3), dbSNP rs2548540236, ClinGen allele CA2697551752.

ClinVar aggregate classification (germline): Pathogenic (1 of 4 stars; one submission).

Conditions:
Hereditary breast ovarian cancer syndrome. Also called: Hereditary breast and ovarian cancer syndrome; Hereditary breast and ovarian cancer; Hereditary breast and ovarian cancer syndrome (HBOC); Hereditary breast and/or ovarian cancer syndrome; Breast and ovarian cancer; BRCA1- and BRCA2-Associated Hereditary Breast and Ovarian Cancer. Identifiers: Orphanet 145, MedGen C0677776, MeSH D061325, MONDO:0003582. Disease mechanism: loss of function.

Submission:

Labcorp Genetics (formerly Invitae), Labcorp
Classification: Pathogenic for Hereditary breast ovarian cancer syndrome. Last evaluated: 2023-05-25. Review status: criteria provided, single submitter. Criteria: Invitae Variant Classification Sherloc (09022015). Collection method: clinical testing. Allele origin: germline.
Comment: For these reasons, this variant has been classified as Pathogenic. This variant has not been reported in the literature in individuals affected with BRCA2-related conditions. This variant is not present in population databases (gnomAD no frequency). This sequence change creates a premature translational stop signal (p.His2395Glnfs*73) in the BRCA2 gene. It is expected to result in an absent or disrupted protein product. Loss-of-function variants in BRCA2 are known to be pathogenic (PMID: 20104584).

Literature cited by the submitters: PubMed 20104584.